The following is an entry in ClinVar:

NM_006033.4(LIPG):c.1348C>T (p.Arg450Trp)

Gene: LIPG (lipase G, endothelial type; plus strand). Cytogenetic location: 18q21.1.
Variant type: single nucleotide variant.
Coding change: c.1348C>T on transcript NM_006033.4 (MANE Select); coding-DNA position 1348, C replaced by T.
Protein change: p.Arg450Trp; replaces arginine 450 with tryptophan.
Molecular consequence: missense variant.
Genome position (GRCh38, 1-based): chr18:49,583,746, C>T. VCF-style: chr18-49583746-C-T. GRCh37 (hg19) VCF-style: chr18-47110116-C-T.
Other names: c.1126C>T, p.Arg376Trp (NM_001308006.2); short protein forms R376W, R450W.
Identifiers: ClinVar variation 2981158 (VCV002981158.3), dbSNP rs941163860, ClinGen allele CA299941700.
Genomic context (GRCh38, chr18:49,583,746, plus strand): 5'-TTTCGCAGCTACCTGTCTCAACCCCGCAACCCCGGACGGGAGCTGAATATCAGGCGCATC[C>T]GGGTGAAGTCTGGGGAAACCCAGCGGAAGTAAGTGCCTCCTGCTCCTTCTTCTGCCTGGT-3'
Protein context (NP_006024.1, residues 440-460): PGRELNIRRI[Arg450Trp]VKSGETQRKL

ClinVar aggregate classification (germline): Uncertain significance (1 of 4 stars; one submission).

Allele frequency attached by ClinVar (database versions not stated): TOPMed below 0.00001; gnomAD 0.00002.

Submission:

Labcorp Genetics (formerly Invitae), Labcorp
Classification: Uncertain significance. Last evaluated: 2023-01-02. Review status: criteria provided, single submitter. Criteria: Invitae Variant Classification Sherloc (09022015). Collection method: clinical testing. Allele origin: germline.
Comment: In summary, the available evidence is currently insufficient to determine the role of this variant in disease. Therefore, it has been classified as a Variant of Uncertain Significance. Algorithms developed to predict the effect of missense changes on protein structure and function (SIFT, PolyPhen-2, Align-GVGD) all suggest that this variant is likely to be disruptive. This variant has not been reported in the literature in individuals affected with LIPG-related conditions. The frequency data for this variant in the population databases is considered unreliable, as metrics indicate poor data quality at this position in the gnomAD database. This sequence change replaces arginine, which is basic and polar, with tryptophan, which is neutral and slightly polar, at codon 450 of the LIPG protein (p.Arg450Trp).